The following is an entry in ClinVar:

NM_000214.3(JAG1):c.537del (p.Phe179fs)

Gene: JAG1 (jagged canonical Notch ligand 1; minus strand). Cytogenetic location: 20p12.2.
Variant type: Deletion.
Coding change: c.537del on transcript NM_000214.3 (MANE Select); coding-DNA position 537, one base deleted (T; older notation c.537delT).
Protein change: p.Phe179fs; shifts the reading frame from phenylalanine 179.
Molecular consequence: frameshift variant.
Genome position (GRCh38, 1-based): chr20:10,658,625, A deleted on the plus strand (T on the coding strand, the reverse complement: JAG1 is on the minus strand); the first of 3 consecutive A bases (chr20:10,658,625-10,658,627); deleting any one gives the same sequence. VCF-style (leftmost placement, unchanged base first): chr20-10658624-CA-C. GRCh37 (hg19) VCF-style: chr20-10639272-CA-C.
Other names: short protein forms F179fs.
Identifiers: ClinVar variation 3346939 (VCV003346939.1).
Genomic context (GRCh38, chr20:10,658,624, plus strand): 5'-AGAACTTATTGCAGCCAAAGCCATAGTAGTAGTCATCACAGGTCACGCGGATCTGATACT[CA>C]AAGTGGGCAACGCCCGTGTTCTGCTTCAGCGTCTGCCACTGCCGGCTGGGGTTGATCATG-3'

ClinVar aggregate classification (germline): Likely pathogenic (0 of 4 stars; one submission).

Conditions:
JAG1-related disorder. Also called: JAG1-related disorders; JAG1-related condition.

Submission:

PreventionGenetics, part of Exact Sciences
Classification: Likely pathogenic for JAG1-related condition. Last evaluated: 2024-07-11. Review status: no assertion criteria provided. Collection method: clinical testing. Allele origin: germline.
Comment: The JAG1 c.537delT variant is predicted to result in a frameshift and premature protein termination (p.Phe179Leufs*7). To our knowledge, this variant has not been reported in the literature or in a large population database, indicating this variant is rare. Frameshift variants in JAG1 are expected to be pathogenic. This variant is interpreted as likely pathogenic.